The following is an entry in ClinVar:

ClinVar aggregate classification (germline): Likely benign (1 of 4 stars; one submission).

gnomAD v4.1: 1 of 1,010,602 alleles (0.000099%); highest among the groups gnomAD compares: Non-Finnish European, 0.00012%; no homozygotes.

Submission:

CeGaT Center for Human Genetics Tuebingen
Classification: Likely benign. Last evaluated: 2026-05-01. Review status: criteria provided, single submitter. Criteria: CeGaT Center For Human Genetics Tuebingen Variant Classification Criteria Version 2. Collection method: clinical testing. Allele origin: germline. Affected: yes. Observed: 1 variant allele.
Comment: ONECUT3: BP4, BP7

NM_001080488.2(ONECUT3):c.93G>A (p.Ala31=)

Gene: ONECUT3 (one cut homeobox 3; plus strand). Cytogenetic location: 19p13.3.
Variant type: single nucleotide variant.
Coding change: c.93G>A on transcript NM_001080488.2 (MANE Select); coding-DNA position 93, G replaced by A.
Protein change: p.Ala31=; no amino-acid change (alanine 31 retained).
Molecular consequence: synonymous variant.
Genome position (GRCh38, 1-based): chr19:1,753,755, G>A. VCF-style: chr19-1753755-G-A. GRCh37 (hg19) VCF-style: chr19-1753754-G-A.
Identifiers: ClinVar variation 4873555 (VCV004873555.2).